The following is an entry in ClinVar:

ClinVar aggregate classification (germline): Uncertain significance (1 of 4 stars; one submission).

Conditions:
Hereditary cancer-predisposing syndrome. Also called: Hereditary Cancer Syndrome; Hereditary neoplastic syndrome; Neoplastic Syndromes, Hereditary; Tumor predisposition. Identifiers: Orphanet 140162, MedGen C0027672, MeSH D009386, MONDO:0015356.

Submission:

Ambry Genetics
Classification: Uncertain significance for Hereditary cancer-predisposing syndrome. Last evaluated: 2026-09-08. Review status: criteria provided, single submitter. Criteria: Ambry Variant Classification Scheme 2023. Collection method: clinical testing. Allele origin: germline.
Comment: The c.891_895+2delTACAGGTinsCAC variant results from a deletion of 7 nucleotides and insertion of 3 nucleotides at positions c.891 to c.895+2 and involves the canonical splice donor site after coding exon 7 of the SDHA gene. Alterations that disrupt the canonical splice site are expected to result in aberrant splicing. This nucleotide positions at this canonical donor site are highly conserved in available vertebrate species. In silico splice site analysis predicts that this alteration will weaken the native splice donor site and may result in the creation or strengthening of a novel splice donor site; however, direct evidence is insufficient at this time (Ambry internal data). Based on the available evidence, the clinical significance of this variant remains unclear.

NM_004168.4(SDHA):c.891_895+2delinsCAC

Gene: SDHA (succinate dehydrogenase complex flavoprotein subunit A; plus strand). Cytogenetic location: 5p15.33.
Variant type: Indel.
Coding change: c.891_895+2delinsCAC on transcript NM_004168.4 (MANE Select); coding-DNA position 891 through the canonical splice donor site of the intron after coding-DNA position 895, TACAGGT replaced by CAC.
Molecular consequence: splice donor variant.
Genome position (GRCh38, 1-based): chr5:230,996-231,002, TACAGGT replaced by CAC. VCF-style: chr5-230996-TACAGGT-CAC. GRCh37 (hg19) VCF-style: chr5-231111-TACAGGT-CAC.
Other names: c.891_895+2delinsCAC (NM_001330758.2); c.747_751+2delinsCAC (NM_001294332.2).
Identifiers: ClinVar variation 3793534 (VCV003793534.2).